The following is an entry in ClinVar:

NM_000334.4(SCN4A):c.569G>A (p.Arg190Gln)

Gene: SCN4A (sodium voltage-gated channel alpha subunit 4; minus strand). Cytogenetic location: 17q23.3.
Variant type: single nucleotide variant.
Coding change: c.569G>A on transcript NM_000334.4 (MANE Select); coding-DNA position 569, G replaced by A.
Protein change: p.Arg190Gln; replaces arginine 190 with glutamine.
Molecular consequence: missense variant.
Genome position (GRCh38, 1-based): chr17:63,971,764, C>T on the plus strand (G>A on the coding strand, the complement: SCN4A is on the minus strand). VCF-style: chr17-63971764-C-T. GRCh37 (hg19) VCF-style: chr17-62049124-C-T.
Other names: short protein forms R190Q.
Identifiers: ClinVar variation 2062369 (VCV002062369.11), dbSNP rs755953358, ClinGen allele CA8710113.
Genomic context (GRCh38, chr17:63,971,764, plus strand): 5'-CCTGGGGCCCCTGCTCACGCCATCATGATGACACTGAAGTCCAGCCAGTTCCAGGGGTCC[C>T]GGAGGAATGTGAAGTCGTCGACACAGAAGCCTCGGGCCAGTATCTTGATGAGGGACTCAA-3'
Protein context (NP_000325.4, residues 180-200): GFCVDDFTFL[Arg190Gln]DPWNWLDFSV

ClinVar aggregate classification (germline): Uncertain significance. Review status: criteria provided, multiple submitters, no conflicts (2 of 4 stars). 6 submissions from 6 submitters: Uncertain significance (6). Last evaluated 2025-12-08.

Conditions:
Congenital myopathy 22A, classic (CMYO22A). Identifiers: MedGen C5830453, MONDO:0957247, OMIM 620351.
Potassium-aggravated myotonia. Also called: MYOTONIA CONGENITA, ACETAZOLAMIDE-RESPONSIVE; MYOTONIA CONGENITA, ATYPICAL; SODIUM CHANNEL MUSCLE DISEASE; Myotonia congenita, atypical, acetazolamide-responsive. Identifiers: Orphanet 612, Orphanet 99734, Orphanet 99735, Orphanet 99736, MedGen C2931826, MONDO:0018959, OMIM 608390.
Hypokalemic periodic paralysis, type 2 (HOKPP2). Identifiers: Orphanet 681, MedGen C2750061, MONDO:0013234, OMIM 613345.
Hyperkalemic periodic paralysis. Also called: Familial hyperkalemic periodic paralysis; Gamstorp disease. Identifiers: Orphanet 682, MedGen C0238357, MONDO:0008224, OMIM 170500, HP:0007215.
Congenital myopathy 22B, severe fetal (CMYO22B). Identifiers: MedGen C5830501, MONDO:0957265, OMIM 620369.
Congenital myasthenic syndrome 16. Identifiers: Orphanet 590, MedGen C3280112, MONDO:0013620, OMIM 614198.
Paramyotonia congenita of Von Eulenburg. Also called: PARALYSIS PERIODICA PARAMYOTONICA; Eulenburg disease; Myotonia congenita intermittens; Von Eulenburg paramyotonia congenita; Paramyotonia Congenita. Identifiers: Orphanet 684, MedGen C0221055, MONDO:0008195, OMIM 168300. Disease mechanism: loss of function.
Inborn genetic diseases. Identifiers: MedGen C0950123, MeSH D030342.

Allele frequency attached by ClinVar (database versions not stated): gnomAD exomes 0.00001; ExAC 0.00004; gnomAD 0.00001.

Submissions (6):

Ambry Genetics
Classification: Uncertain significance for Inborn genetic diseases. Last evaluated: 2025-12-08. Review status: criteria provided, single submitter. Criteria: Ambry Variant Classification Scheme 2023. Collection method: clinical testing. Allele origin: germline.

Dasa
Classification: Uncertain significance. Last evaluated: 2025-07-29. Review status: criteria provided, single submitter. Criteria: DASA Assertion Criteria. Collection method: clinical testing. Allele origin: germline.
Comment: NM_000334.4(SCN4A):c.569G>A (p.Arg190Gln) is a missense variant that results in the substitution of arginine with glutamine. This variant is rare in population databases. Computational prediction algorithms are consistent with a deleterious effect. The currently available literature and clinical evidence are not sufficient to establish a definitive association between this variant and the reported condition. Therefore, this variant is classified as a variant of uncertain significance.

Fulgent Genetics
Classification: Uncertain significance for Paramyotonia congenita of Von Eulenburg; Hyperkalemic periodic paralysis; Potassium-aggravated myotonia; Hypokalemic periodic paralysis, type 2; Congenital myasthenic syndrome 16; Congenital myopathy 22A, classic; Congenital myopathy 22B, severe fetal. Last evaluated: 2024-02-21. Review status: criteria provided, single submitter. Criteria: ACMG Guidelines, 2015. Collection method: clinical testing. Allele origin: germline.

Labcorp Genetics (formerly Invitae), Labcorp
Classification: Uncertain significance for Hyperkalemic periodic paralysis. Last evaluated: 2023-12-08. Review status: criteria provided, single submitter. Criteria: Invitae Variant Classification Sherloc (09022015). Collection method: clinical testing. Allele origin: germline.
Comment: This sequence change replaces arginine, which is basic and polar, with glutamine, which is neutral and polar, at codon 190 of the SCN4A protein (p.Arg190Gln). The frequency data for this variant in the population databases is considered unreliable, as metrics indicate poor data quality at this position in the gnomAD database. This variant has not been reported in the literature in individuals affected with SCN4A-related conditions. ClinVar contains an entry for this variant (Variation ID: 2062369). Advanced modeling of protein sequence and biophysical properties (such as structural, functional, and spatial information, amino acid conservation, physicochemical variation, residue mobility, and thermodynamic stability) performed at Invitae indicates that this missense variant is expected to disrupt SCN4A protein function with a positive predictive value of 95%. In summary, the available evidence is currently insufficient to determine the role of this variant in disease. Therefore, it has been classified as a Variant of Uncertain Significance.

Revvity Omics, Revvity
Classification: Uncertain significance. Last evaluated: 2023-11-08. Review status: criteria provided, single submitter. Criteria: ACMG Guidelines, 2015. Collection method: clinical testing. Allele origin: germline.

Blueprint Genetics
Classification: Uncertain significance. Last evaluated: 2020-11-23. Review status: criteria provided, single submitter. Criteria: ACMG Guidelines, 2015. Collection method: clinical testing. Allele origin: germline.